The following is an entry in ClinVar:

ClinVar aggregate classification (germline): Pathogenic. Review status: criteria provided, single submitter (1 of 4 stars). 2 submissions from 2 submitters: Pathogenic (1). 1 of the submissions does not count toward it. Last evaluated 2022-05-09.

Conditions:
Autosomal recessive limb-girdle muscular dystrophy type 2K. Also called: MUSCULAR DYSTROPHY-DYSTROGLYCANOPATHY (LIMB-GIRDLE), TYPE C, 1; MUSCULAR DYSTROPHY, LIMB-GIRDLE, TYPE 2K. Identifiers: Orphanet 86812, MedGen C1836373, MONDO:0012248, OMIM 609308.
Muscular dystrophy-dystroglycanopathy (congenital with impaired intellectual development), type B, 1. Also called: Muscular dystrophy-dystroglycanopathy (congenital with intellectual disability), type B1; MUSCULAR DYSTROPHY, CONGENITAL, POMT1-RELATED. Identifiers: MedGen C5436962, MONDO:0013159, OMIM 613155.
Walker-Warburg congenital muscular dystrophy. Also called: Muscular dystrophy-dystroglycanopathy, type A; Walker-Warburg syndrome. Identifiers: Orphanet 899, MedGen C0265221, MONDO:0000171.
Muscular dystrophy-dystroglycanopathy (congenital with brain and eye anomalies), type A1 (MDDGA1). Also called: WALKER-WARBURG SYNDROME OR MUSCLE-EYE-BRAIN DISEASE, POMT1-RELATED; Hydrocephalus, agyria and retinal dysplasia; Hard +/- E syndrome; Warburg syndrome; Chemke syndrome; Pagon syndrome. Identifiers: Orphanet 588, Orphanet 899, MedGen C4284790, MONDO:0009364, OMIM 236670.

Submissions (2):

Labcorp Genetics (formerly Invitae), Labcorp
Classification: Pathogenic for Muscular dystrophy-dystroglycanopathy (congenital with impaired intellectual development), type B, 1; Walker-Warburg congenital muscular dystrophy; Autosomal recessive limb-girdle muscular dystrophy type 2K. Last evaluated: 2022-05-09. Review status: criteria provided, single submitter. Criteria: Invitae Variant Classification Sherloc (09022015). Collection method: clinical testing. Allele origin: germline.
Comment: For these reasons, this variant has been classified as Pathogenic. ClinVar contains an entry for this variant (Variation ID: 212739). This variant has not been reported in the literature in individuals affected with POMT1-related conditions. This variant is not present in population databases (gnomAD no frequency). This sequence change creates a premature translational stop signal (p.Trp186*) in the POMT1 gene. It is expected to result in an absent or disrupted protein product. Loss-of-function variants in POMT1 are known to be pathogenic (PMID: 12369018, 15637732, 16575835).

Knight Diagnostic Laboratories, Oregon Health and Sciences University
Classification: Likely pathogenic for Walker-Warburg congenital muscular dystrophy. Last evaluated: 2014-07-29. Review status: no assertion criteria provided. Criteria: ACMG Guidelines, 2007. Collection method: clinical testing. Allele origin: germline. Inheritance: Autosomal recessive inheritance. Affected: no. Not counted in ClinVar's aggregate classification.

Literature cited by the submitters: PubMed 12369018 (cited by Labcorp Genetics (formerly Invitae), Labcorp); PubMed 15637732 (cited by Labcorp Genetics (formerly Invitae), Labcorp); PubMed 16575835 (cited by Labcorp Genetics (formerly Invitae), Labcorp).

NM_001077365.2(POMT1):c.558G>A (p.Trp186Ter)

Gene: POMT1 (protein O-mannosyltransferase 1; plus strand). Cytogenetic location: 9q34.13.
Variant type: single nucleotide variant.
Coding change: c.558G>A on transcript NM_001077365.2 (MANE Select); coding-DNA position 558, G replaced by A.
Protein change: p.Trp186Ter; replaces tryptophan 186 with a stop codon.
Molecular consequence: nonsense. On other transcripts: non-coding transcript variant (10).
Genome position (GRCh38, 1-based): chr9:131,509,761, G>A. VCF-style: chr9-131509761-G-A. GRCh37 (hg19) VCF-style: chr9-134385148-G-A.
Other names: c.396G>A, p.Trp132Ter (NM_001077366.2, NM_001353194.2, NM_001353197.2 and 3 more transcripts); c.558G>A, p.Trp186Ter (NM_001136113.2, NM_001353193.2, NM_001374690.1 and 1 more transcripts); c.207G>A, p.Trp69Ter (NM_001136114.2, NM_001353195.2, NM_001353199.2 and 2 more transcripts); c.468G>A, p.Trp156Ter (NM_001353196.2); c.102G>A, p.Trp34Ter (NM_001353200.2, NM_001374695.1); short protein forms W186*, W132*, W156*, W34*, W69*.
Identifiers: ClinVar variation 212739 (VCV000212739.6), dbSNP rs772370177, ClinGen allele CA278543.
Genomic context (GRCh38, chr9:131,509,761, plus strand): 5'-TCTGAACTATTTCTGTCTCCATCTGCTTTGTTTTTATTCCAGCCCTTTTTCTCTGAGCTG[G>A]TGGTTCTGGCTAACACTGACAGGGGTCGCTTGTTCCTGTGCAGTGGGGTGAGTTTGAGCC-3'